The following is an entry in ClinVar:

NM_004593.3(TRA2B):c.436G>A (p.Asp146Asn)

Gene: TRA2B (transformer 2 beta homolog; minus strand). Cytogenetic location: 3q27.2.
Variant type: single nucleotide variant.
Coding change: c.436G>A on transcript NM_004593.3 (MANE Select); coding-DNA position 436, G replaced by A.
Protein change: p.Asp146Asn; replaces aspartic acid 146 with asparagine.
Molecular consequence: missense variant.
Genome position (GRCh38, 1-based): chr3:185,923,882, C>T on the plus strand (G>A on the coding strand, the complement: TRA2B is on the minus strand). VCF-style: chr3-185923882-C-T. GRCh37 (hg19) VCF-style: chr3-185641670-C-T.
Other names: c.136G>A, p.Asp46Asn (NM_001243879.2); short protein forms D46N, D146N.
Identifiers: ClinVar variation 4839314 (VCV004839314.1).
Genomic context (GRCh38, chr3:185,923,882, plus strand): 5'-AATATACAAAGGCAAATCCTCTTGAACGCCTAGACTGCTGGTCATATACAATAGACACAT[C>T]GGCAATGGGACCATATTTAGAGAACACTTCTCTTAGATCTCTTTCTGTGGTGTACAAGCT-3'
Protein context (NP_004584.1, residues 136-156): EVFSKYGPIA[Asp146Asn]VSIVYDQQSR

ClinVar aggregate classification (germline): Uncertain significance (1 of 4 stars; one submission).

Conditions:
Inborn genetic diseases. Identifiers: MedGen C0950123, MeSH D030342.

gnomAD v4.1: 6 of 1,613,914 alleles (0.00037%); highest among the groups gnomAD compares: African/African-American, 0.0027%; no homozygotes.

Submission:

Ambry Genetics
Classification: Uncertain significance for Inborn genetic diseases. Last evaluated: 2026-01-14. Review status: criteria provided, single submitter. Criteria: Ambry Variant Classification Scheme 2023. Collection method: clinical testing. Allele origin: germline.
Comment: The c.436G>A (p.D146N) alteration is located in exon 4 (coding exon 4) of the TRA2B gene. This alteration results from a G to A substitution at nucleotide position 436, causing the aspartic acid (D) at amino acid position 146 to be replaced by an asparagine (N). Based on data from gnomAD, the A allele has an overall frequency of <0.001% (1/251384) total alleles studied. The highest observed frequency was 0.001% (1/113694) of European (non-Finnish) alleles. Based on insufficient or conflicting evidence, the clinical significance of this alteration remains unclear.